The following is an entry in ClinVar:

ClinVar aggregate classification (germline): Conflicting classifications of pathogenicity. Review status: criteria provided, conflicting classifications (1 of 4 stars). 6 submissions from 6 submitters: Uncertain significance (3); Benign (1). 2 of the submissions do not count toward it. Last evaluated 2026-01-28.

Conditions:
Nemaline myopathy 2 (NEM2). Also called: Nemaline myopathy 2, autosomal recessive. Identifiers: MedGen C1850569, MONDO:0009725, OMIM 256030.
NEB-related disorder. Also called: NEB-related condition; NEB-Related Disorders.

Allele frequency attached by ClinVar (database versions not stated): gnomAD 0.00037; gnomAD exomes 0.00040 and 0.00023; ExAC 0.00043; 1000 Genomes Project 30x 0.00047; 1000 Genomes Project 0.00060; TOPMed 0.00069; ESP Exome Variant Server 0.00016.
gnomAD v4.1: 392 of 1,613,802 alleles (0.024%); highest among the groups gnomAD compares: Admixed American, 0.18%; no homozygotes.

Submissions (6):

Labcorp Genetics (formerly Invitae), Labcorp
Classification: Benign for Nemaline myopathy 2. Last evaluated: 2026-01-28. Review status: criteria provided, single submitter. Criteria: Invitae Variant Classification Sherloc (09022015). Collection method: clinical testing. Allele origin: germline.

Revvity Omics, Revvity
Classification: Uncertain significance. Last evaluated: 2023-01-03. Review status: criteria provided, single submitter. Criteria: ACMG Guidelines, 2015. Collection method: clinical testing. Allele origin: germline.

Fulgent Genetics
Classification: Uncertain significance for Nemaline myopathy 2. Last evaluated: 2018-10-31. Review status: criteria provided, single submitter. Criteria: ACMG Guidelines, 2015. Collection method: clinical testing. Allele origin: unknown.

Illumina Laboratory Services, Illumina
Classification: Uncertain significance for Nemaline myopathy 2. Last evaluated: 2018-01-12. Review status: criteria provided, single submitter. Criteria: ICSL Variant Classification Criteria 13 December 2019. Collection method: clinical testing. Allele origin: germline.

PreventionGenetics, part of Exact Sciences
Classification: Likely benign for NEB-related condition. Last evaluated: 2024-06-25. Review status: no assertion criteria provided. Collection method: clinical testing. Allele origin: germline. Not counted in ClinVar's aggregate classification.
Comment: This variant is classified as likely benign based on ACMG/AMP sequence variant interpretation guidelines (Richards et al. 2015 PMID: 25741868, with internal and published modifications).

Natera, Inc.
Classification: Uncertain significance for Nemaline myopathy type 2. Last evaluated: 2020-09-16. Review status: no assertion criteria provided. Collection method: clinical testing. Allele origin: germline. Not counted in ClinVar's aggregate classification.

NM_001164508.2(NEB):c.21994G>A (p.Val7332Ile)

Genes: NEB (nebulin; minus strand), RIF1 (replication timing regulatory factor 1; plus strand). Cytogenetic location: 2q23.3.
Variant type: single nucleotide variant.
Coding change: c.21994G>A on transcript NM_001164508.2 (MANE Select); coding-DNA position 21994, G replaced by A.
Protein change: p.Val7332Ile; replaces valine 7332 with isoleucine.
Molecular consequence: missense variant.
Genome position (GRCh38, 1-based): chr2:151,526,214, C>T on the plus strand (G>A on the coding strand, the complement: NEB is on the minus strand). VCF-style: chr2-151526214-C-T. GRCh37 (hg19) VCF-style: chr2-152382728-C-T.
Other names: c.21994G>A, p.Val7332Ile (NM_001164507.2); c.22099G>A, p.Val7367Ile (NM_001271208.2); c.16891G>A, p.Val5631Ile (NM_004543.5); short protein forms V7367I, V5631I, V7332I.
Identifiers: ClinVar variation 534023 (VCV000534023.17), dbSNP rs189609282, ClinGen allele CA1906812.